The following is an entry in ClinVar:

NM_001330078.2(NRXN1):c.3842C>A (p.Thr1281Asn)

Gene: NRXN1 (neurexin 1; minus strand). Cytogenetic location: 2p16.3.
Variant type: single nucleotide variant.
Coding change: c.3842C>A on transcript NM_001330078.2 (MANE Select); coding-DNA position 3842, C replaced by A.
Protein change: p.Thr1281Asn; replaces threonine 1281 with asparagine.
Molecular consequence: missense variant.
Genome position (GRCh38, 1-based): chr2:50,053,557, G>T on the plus strand (C>A on the coding strand, the complement: NRXN1 is on the minus strand). VCF-style: chr2-50053557-G-T. GRCh37 (hg19) VCF-style: chr2-50280695-G-T.
Other names: c.3962C>A, p.Thr1321Asn (NM_001135659.3); c.3818C>A, p.Thr1273Asn (NM_001330077.2, NM_001330082.2); c.3686C>A, p.Thr1229Asn (NM_001330083.2); c.3776C>A, p.Thr1259Asn (NM_001330084.2); c.3815C>A, p.Thr1272Asn (NM_001330085.2); c.3842C>A, p.Thr1281Asn (NM_001330086.2); c.3641C>A, p.Thr1214Asn (NM_001330087.2, NM_001330096.2); c.3671C>A, p.Thr1224Asn (NM_001330088.2); and 6 more; short protein forms T1214N, T1229N, T1259N, T1272N, T1224N, T1277N, T246N, T1273N.
Identifiers: ClinVar variation 655491 (VCV000655491.1), dbSNP rs1573629404, ClinGen allele CA346819933.

ClinVar aggregate classification (germline): Uncertain significance (1 of 4 stars; one submission).

Conditions:
Pitt-Hopkins-like syndrome 2 (PTHSL2). Identifiers: Orphanet 221150, Orphanet 600663, MedGen C3280479, MONDO:0013690, OMIM 614325.

Submission:

Labcorp Genetics (formerly Invitae), Labcorp
Classification: Uncertain significance for Pitt-Hopkins-like syndrome 2. Last evaluated: 2018-12-12. Review status: criteria provided, single submitter. Criteria: Invitae Variant Classification Sherloc (09022015). Collection method: clinical testing. Allele origin: germline.
Comment: This sequence change replaces threonine with asparagine at codon 1321 of the NRXN1 protein (p.Thr1321Asn). The threonine residue is highly conserved and there is a small physicochemical difference between threonine and asparagine. This variant is not present in population databases (ExAC no frequency). This variant has not been reported in the literature in individuals with NRXN1-related conditions. Algorithms developed to predict the effect of missense changes on protein structure and function are either unavailable or do not agree on the potential impact of this missense change (SIFT: "Tolerated"; PolyPhen-2: "Possibly Damaging"; Align-GVGD: "Class C0"). In summary, the available evidence is currently insufficient to determine the role of this variant in disease. Therefore, it has been classified as a Variant of Uncertain Significance.